The following is an entry in ClinVar:

NM_001372044.2(SHANK3):c.1802+386C>A

Gene: SHANK3 (SH3 and multiple ankyrin repeat domains 3; plus strand). Cytogenetic location: 22q13.33.
Variant type: single nucleotide variant.
Coding change: c.1802+386C>A on transcript NM_001372044.2 (MANE Select); 386 bases into the intron after coding-DNA position 1802, C replaced by A.
Molecular consequence: intron variant.
Genome position (GRCh38, 1-based): chr22:50,699,189, C>A. VCF-style: chr22-50699189-C-A. GRCh37 (hg19) VCF-style: chr22-51137617-C-A.
Other names: c.1837+386C>A (NM_001372044.2).
Identifiers: ClinVar variation 4886204 (VCV004886204.2).

ClinVar aggregate classification (germline): Uncertain significance (1 of 4 stars; one submission).

Submission:

Dasa
Classification: Uncertain significance. Last evaluated: 2026-03-27. Review status: criteria provided, single submitter. Criteria: DASA Assertion Criteria. Collection method: clinical testing. Allele origin: germline.
Comment: NM_001372044.2(SHANK3):c.1837+386C>A is an intronic variant. This variant is absent from population databases. The currently available literature and clinical evidence are not sufficient to establish a definitive association between this variant and the reported condition. Therefore, this variant is classified as a variant of uncertain significance.